The following is an entry in ClinVar:

NM_006947.4(SRP72):c.1297A>G (p.Ile433Val)

Gene: SRP72 (signal recognition particle 72; plus strand). Cytogenetic location: 4q12.
Variant type: single nucleotide variant.
Coding change: c.1297A>G on transcript NM_006947.4 (MANE Select); coding-DNA position 1297, A replaced by G.
Protein change: p.Ile433Val; replaces isoleucine 433 with valine.
Molecular consequence: missense variant. On other transcripts: non-coding transcript variant (1).
Genome position (GRCh38, 1-based): chr4:56,489,460, A>G. VCF-style: chr4-56489460-A-G. GRCh37 (hg19) VCF-style: chr4-57355626-A-G.
Other names: c.1114A>G, p.Ile372Val (NM_001267722.2); short protein forms I372V, I433V.
Identifiers: ClinVar variation 2580382 (VCV002580382.2), dbSNP rs2545766065, ClinGen allele CA357001269.

ClinVar aggregate classification (germline): Uncertain significance. Review status: criteria provided, multiple submitters, no conflicts (2 of 4 stars). 2 submissions from 2 submitters: Uncertain significance (2). Last evaluated 2025-10-05.

Submissions (2):

Ambry Genetics
Classification: Uncertain significance. Last evaluated: 2025-10-05. Review status: criteria provided, single submitter. Criteria: Ambry Variant Classification Scheme 2023. Collection method: clinical testing. Allele origin: germline.
Comment: The p.I433V variant (also known as c.1297A>G), located in coding exon 13 of the SRP72 gene, results from an A to G substitution at nucleotide position 1297. The isoleucine at codon 433 is replaced by valine, an amino acid with highly similar properties. This amino acid position is conserved. In addition, this alteration is predicted to be tolerated by in silico analysis. Based on the available evidence, the clinical significance of this variant remains unclear.

GeneDx
Classification: Uncertain significance. Last evaluated: 2023-03-20. Review status: criteria provided, single submitter. Criteria: GeneDx Variant Classification Process June 2021. Collection method: clinical testing. Allele origin: germline. Affected: yes.
Comment: Not observed at significant frequency in large population cohorts (gnomAD); In silico analysis supports that this missense variant does not alter protein structure/function; Has not been previously published as pathogenic or benign to our knowledge